The following is an entry in ClinVar:

NM_020458.4(TTC7A):c.1151A>T (p.Asp384Val)

Gene: TTC7A (tetratricopeptide repeat domain 7A; plus strand). Cytogenetic location: 2p21.
Variant type: single nucleotide variant.
Coding change: c.1151A>T on transcript NM_020458.4 (MANE Select); coding-DNA position 1151, A replaced by T.
Protein change: p.Asp384Val; replaces aspartic acid 384 with valine.
Molecular consequence: missense variant.
Genome position (GRCh38, 1-based): chr2:47,006,007, A>T. VCF-style: chr2-47006007-A-T. GRCh37 (hg19) VCF-style: chr2-47233146-A-T.
Other names: c.1151A>T, p.Asp384Val (NM_001288951.2); c.1049A>T, p.Asp350Val (NM_001288953.2); c.89A>T, p.Asp30Val (NM_001288955.2); short protein forms D384V, D30V, D350V.
Identifiers: ClinVar variation 2176411 (VCV002176411.4), dbSNP rs756438172, ClinGen allele CA1647514.
Genomic context (GRCh38, chr2:47,006,007, plus strand): 5'-GGGTGCCGGAGCAGGAGGAGGACCGGACAGTGAGCTTGCAGAATGCCGCAGCCATCTATG[A>T]CCTCCTGAGCATCACGTTGGGCAGAAGGGGACAGTACGTCATGCTCTCGGAGGTACGGCC-3'
Protein context (NP_065191.2, residues 374-394): VSLQNAAAIY[Asp384Val]LLSITLGRRG

ClinVar aggregate classification (germline): Uncertain significance (1 of 4 stars; one submission).

Conditions:
Multiple gastrointestinal atresias. Also called: FAMILIAL INTESTINAL POLYATRESIA SYNDROME; Multiple intestinal atresia. Identifiers: Orphanet 2300, MedGen C0220744, MONDO:0009465.

Allele frequency attached by ClinVar (database versions not stated): gnomAD 0.00001; ExAC 0.00002; gnomAD exomes 0.00002.
gnomAD v4.1: 13 of 1,612,246 alleles (0.00081%); highest among the groups gnomAD compares: East Asian, 0.029%; no homozygotes.

Submission:

Labcorp Genetics (formerly Invitae), Labcorp
Classification: Uncertain significance for Multiple gastrointestinal atresias. Last evaluated: 2025-08-01. Review status: criteria provided, single submitter. Criteria: Invitae Variant Classification Sherloc (09022015). Collection method: clinical testing. Allele origin: germline.
Comment: This sequence change replaces aspartic acid, which is acidic and polar, with valine, which is neutral and non-polar, at codon 384 of the TTC7A protein (p.Asp384Val). This variant is present in population databases (rs756438172, gnomAD 0.01%). This variant has not been reported in the literature in individuals affected with TTC7A-related conditions. ClinVar contains an entry for this variant (Variation ID: 2176411). Invitae Evidence Modeling of protein sequence and biophysical properties (such as structural, functional, and spatial information, amino acid conservation, physicochemical variation, residue mobility, and thermodynamic stability) indicates that this missense variant is expected to disrupt TTC7A protein function with a positive predictive value of 80%. In summary, the available evidence is currently insufficient to determine the role of this variant in disease. Therefore, it has been classified as a Variant of Uncertain Significance.